The following is an entry in ClinVar:

ClinVar aggregate classification (germline): Uncertain significance (1 of 4 stars; one submission).

Conditions:
Nemaline myopathy 6 (NEM6). Also called: Nemaline myopathy 6, autosomal dominant. Identifiers: Orphanet 171439, MedGen C1836472, MONDO:0012237, OMIM 609273.

Submission:

Labcorp Genetics (formerly Invitae), Labcorp
Classification: Uncertain significance for Nemaline myopathy 6. Last evaluated: 2025-05-04. Review status: criteria provided, single submitter. Criteria: Invitae Variant Classification Sherloc (09022015). Collection method: clinical testing. Allele origin: germline.
Comment: This sequence change replaces arginine, which is basic and polar, with cysteine, which is neutral and slightly polar, at codon 95 of the KBTBD13 protein (p.Arg95Cys). This variant is not present in population databases (gnomAD no frequency). This variant has not been reported in the literature in individuals affected with KBTBD13-related conditions. ClinVar contains an entry for this variant (Variation ID: 2791785). Invitae Evidence Modeling of protein sequence and biophysical properties (such as structural, functional, and spatial information, amino acid conservation, physicochemical variation, residue mobility, and thermodynamic stability) indicates that this missense variant is not expected to disrupt KBTBD13 protein function with a negative predictive value of 80%. In summary, the available evidence is currently insufficient to determine the role of this variant in disease. Therefore, it has been classified as a Variant of Uncertain Significance.

NM_001101362.3(KBTBD13):c.283C>T (p.Arg95Cys)

Gene: KBTBD13 (kelch repeat and BTB domain containing 13; plus strand). Cytogenetic location: 15q22.31.
Variant type: single nucleotide variant.
Coding change: c.283C>T on transcript NM_001101362.3 (MANE Select); coding-DNA position 283, C replaced by T.
Protein change: p.Arg95Cys; replaces arginine 95 with cysteine.
Molecular consequence: missense variant.
Genome position (GRCh38, 1-based): chr15:65,077,098, C>T. VCF-style: chr15-65077098-C-T. GRCh37 (hg19) VCF-style: chr15-65369436-C-T.
Other names: short protein forms R95C.
Identifiers: ClinVar variation 2791785 (VCV002791785.3), dbSNP rs377071831, ClinGen allele CA392859442.